The following is an entry in ClinVar:

ClinVar aggregate classification (germline): Pathogenic (1 of 4 stars; one submission).

Submission:

GeneDx
Classification: Pathogenic. Last evaluated: 2019-07-17. Review status: criteria provided, single submitter. Criteria: GeneDx Variant Classification Process June 2021. Collection method: clinical testing. Allele origin: germline. Affected: yes.
Comment: Frameshift variant predicted to result in protein truncation or nonsense mediated decay in a gene for which loss-of-function is a known mechanism of disease; Not observed in large population cohorts (Lek et al., 2016); Has not been previously published as pathogenic or benign to our knowledge

NM_001042492.3(NF1):c.6929del (p.Pro2310fs)

Gene: NF1 (neurofibromin 1; plus strand). Cytogenetic location: 17q11.2.
Variant type: Deletion.
Coding change: c.6929del on transcript NM_001042492.3 (MANE Select); coding-DNA position 6929, one base deleted (C; older notation c.6929delC).
Protein change: p.Pro2310fs; shifts the reading frame from proline 2310.
Molecular consequence: frameshift variant.
Genome position (GRCh38, 1-based): chr17:31,340,512, C deleted; the last of 2 consecutive C bases (chr17:31,340,511-31,340,512); deleting either gives the same sequence. VCF-style (leftmost placement, unchanged base first): chr17-31340510-GC-G. GRCh37 (hg19) VCF-style: chr17-29667528-GC-G.
Other names: c.6866delC, p.Pro2289Leufs (NM_000267.4); c.6866delC (NM_000267.3); short protein forms P2289fs, P2310fs.
Identifiers: ClinVar variation 1189977 (VCV001189977.2), dbSNP rs2151561461, ClinGen allele CA2499224205.
Genomic context (GRCh38, chr17:31,340,510, plus strand): 5'-AAAGAGACTATGTCATGATTCATCTTACTAGCCTCAAACATATCTTCTTTGCCAGGACTC[GC>G]CTCTGCACAAAGCCCTCTTTTGGGTAGCTGTGGCTGTGCTGCAGCTTGATGAGGTCAACT-3'